The following is an entry in ClinVar:

ClinVar aggregate classification (germline): Uncertain significance (1 of 4 stars; one submission).

Conditions:
MBL2-related disorder. Also called: MBL2-related condition.

Allele frequency attached by ClinVar (database versions not stated): ExAC 0.00003; gnomAD 0.00003; TOPMed 0.00004; gnomAD exomes 0.00007; ESP Exome Variant Server 0.00015.
gnomAD v4.1: 101 of 1,611,216 alleles (0.0063%); highest among the groups gnomAD compares: Middle Eastern, 0.033%; no homozygotes.

Submission:

PreventionGenetics, part of Exact Sciences
Classification: Uncertain significance for MBL2-related condition. Last evaluated: 2023-06-12. Review status: criteria provided, single submitter. Criteria: ACMG Guidelines, 2015. Collection method: clinical testing. Allele origin: germline.
Comment: The MBL2 c.450A>G variant is not predicted to result in an amino acid change (p.=). This variant is predicted to create a cryptic splice donor site based on available splicing prediction programs (Alamut Visual Plus v1.6.1), however such programs are imperfect and not equivalent to functional evidence. To our knowledge, this variant has not been reported in the literature. This variant is reported in 0.0086% of alleles in individuals of European (Non-Finnish) descent in gnomAD. At this time, the clinical significance of this variant is uncertain due to the absence of conclusive functional and genetic evidence.

NM_001378373.1(MBL2):c.450A>G (p.Lys150=)

Gene: MBL2 (mannose binding lectin 2; minus strand). Cytogenetic location: 10q21.1.
Variant type: single nucleotide variant.
Coding change: c.450A>G on transcript NM_001378373.1 (MANE Select); coding-DNA position 450, A replaced by G.
Protein change: p.Lys150=; no amino-acid change (lysine 150 retained).
Molecular consequence: synonymous variant.
Genome position (GRCh38, 1-based): chr10:52,768,434, T>C on the plus strand (A>G on the coding strand, the complement: MBL2 is on the minus strand). VCF-style: chr10-52768434-T-C. GRCh37 (hg19) VCF-style: chr10-54528194-T-C.
Other names: c.450A>G, p.Lys150= (NM_000242.3, NM_001378374.1).
Identifiers: ClinVar variation 2635789 (VCV002635789.1), dbSNP rs146554537, ClinGen allele CA5504309.